The following is an entry in ClinVar:

ClinVar aggregate classification (germline): Conflicting classifications of pathogenicity. Review status: criteria provided, conflicting classifications (1 of 4 stars). 5 submissions from 4 submitters: Uncertain significance (4); Benign (1). Last evaluated 2025-02-20.

Conditions:
Inborn genetic diseases. Identifiers: MedGen C0950123, MeSH D030342.
Congenital stationary night blindness autosomal dominant 2. Also called: NIGHT BLINDNESS, CONGENITAL STATIONARY, RAMBUSCH TYPE. Identifiers: Orphanet 215, MedGen C1876182, MONDO:0008099, OMIM 163500.
Retinitis pigmentosa (RP). Identifiers: Orphanet 791, MedGen C0035334, MeSH D012174, MONDO:0019200, OMIM 268000. Inheritance: Autosomal dominant, autosomal recessive and X linked inheritance.

Allele frequency attached by ClinVar (database versions not stated): gnomAD exomes 0.00003 and 0.00006; TOPMed 0.00005; gnomAD 0.00006 and 0.00007; ExAC 0.00007; 1000 Genomes Project 30x 0.00016; 1000 Genomes Project 0.00020.
gnomAD v4.1: 48 of 1,583,694 alleles (0.003%); highest among the groups gnomAD compares: Middle Eastern, 0.017%; no homozygotes.

Submissions (5):

Labcorp Genetics (formerly Invitae), Labcorp
Classification: Uncertain significance. Last evaluated: 2025-02-20. Review status: criteria provided, single submitter. Criteria: Invitae Variant Classification Sherloc (09022015). Collection method: clinical testing. Allele origin: germline.
Comment: This sequence change replaces proline, which is neutral and non-polar, with leucine, which is neutral and non-polar, at codon 115 of the PDE6B protein (p.Pro115Leu). This variant is present in population databases (rs189172362, gnomAD 0.01%). This variant has not been reported in the literature in individuals affected with PDE6B-related conditions. ClinVar contains an entry for this variant (Variation ID: 905660). An algorithm developed to predict the effect of missense changes on protein structure and function outputs the following: PolyPhen-2: "Benign". The leucine amino acid residue is found in multiple mammalian species, which suggests that this missense change does not adversely affect protein function. In summary, the available evidence is currently insufficient to determine the role of this variant in disease. Therefore, it has been classified as a Variant of Uncertain Significance.

Blueprint Genetics
Classification: Uncertain significance. Last evaluated: 2024-04-12. Review status: criteria provided, single submitter. Criteria: ACMG Guidelines, 2015. Collection method: clinical testing. Allele origin: germline.

Ambry Genetics
Classification: Uncertain significance for Inborn genetic diseases. Last evaluated: 2023-02-15. Review status: criteria provided, single submitter. Criteria: Ambry Variant Classification Scheme 2023. Collection method: clinical testing. Allele origin: germline.

Illumina Laboratory Services, Illumina
Classification: Benign for Congenital stationary night blindness autosomal dominant 2. Last evaluated: 2018-01-13. Review status: criteria provided, single submitter. Criteria: ICSL Variant Classification Criteria 13 December 2019. Collection method: clinical testing. Allele origin: germline.
Comment: This variant was observed in the ICSL laboratory as part of a predisposition screen in an ostensibly healthy population. It had not been previously curated by ICSL or reported in the Human Gene Mutation Database (HGMD: prior to June 1st, 2018), and was therefore a candidate for classification through an automated scoring system. Utilizing variant allele frequency, disease prevalence and penetrance estimates, and inheritance mode, an automated score was calculated to assess if this variant is too frequent to cause the disease. Based on the score and internal cut-off values, a variant classified as benign is not then subjected to further curation. The score for this variant resulted in a classification of benign for this disease.

Illumina Laboratory Services, Illumina
Classification: Uncertain significance for Retinitis pigmentosa. Last evaluated: 2018-01-13. Review status: criteria provided, single submitter. Criteria: ICSL Variant Classification Criteria 13 December 2019. Collection method: clinical testing. Allele origin: germline.

NM_000283.4(PDE6B):c.344C>T (p.Pro115Leu)

Gene: PDE6B (phosphodiesterase 6B; plus strand). Cytogenetic location: 4p16.3.
Variant type: single nucleotide variant.
Coding change: c.344C>T on transcript NM_000283.4 (MANE Select); coding-DNA position 344, C replaced by T.
Protein change: p.Pro115Leu; replaces proline 115 with leucine.
Molecular consequence: missense variant.
Genome position (GRCh38, 1-based): chr4:625,970, C>T. VCF-style: chr4-625970-C-T. GRCh37 (hg19) VCF-style: chr4-619759-C-T.
Other names: c.344C>T, p.Pro115Leu (NM_001145291.2); short protein forms P115L.
Identifiers: ClinVar variation 905660 (VCV000905660.11), dbSNP rs189172362, ClinGen allele CA2793914.